The following is an entry in ClinVar:

ClinVar aggregate classification (germline): Pathogenic (1 of 4 stars; one submission).

Conditions:
Hereditary cancer-predisposing syndrome. Also called: Tumor predisposition; Hereditary Cancer Syndrome; Hereditary neoplastic syndrome; Neoplastic Syndromes, Hereditary. Identifiers: Orphanet 140162, MedGen C0027672, MeSH D009386, MONDO:0015356.

Submission:

Ambry Genetics
Classification: Pathogenic for Hereditary cancer-predisposing syndrome. Last evaluated: 2024-06-03. Review status: criteria provided, single submitter. Criteria: Ambry Variant Classification Scheme 2023. Collection method: clinical testing. Allele origin: germline.
Comment: The c.301delG pathogenic mutation, located in coding exon 2 of the MSH6 gene, results from a deletion of one nucleotide at nucleotide position 301, causing a translational frameshift with a predicted alternate stop codon (p.E101Rfs*48). This variant is considered to be rare based on population cohorts in the Genome Aggregation Database (gnomAD). This alteration is expected to result in loss of function by premature protein truncation or nonsense-mediated mRNA decay. As such, this alteration is interpreted as a disease-causing mutation.

NM_000179.3(MSH6):c.301del (p.Glu101fs)

Gene: MSH6 (mutS homolog 6; plus strand). Cytogenetic location: 2p16.3.
Variant type: Deletion.
Coding change: c.301del on transcript NM_000179.3 (MANE Select); coding-DNA position 301, one base deleted (G; older notation c.301delG).
Protein change: p.Glu101fs; shifts the reading frame from glutamic acid 101.
Molecular consequence: frameshift variant. On other transcripts: 5 prime UTR variant (8), initiator codon variant (13), non-coding transcript variant (5), intron variant (5).
Genome position (GRCh38, 1-based): chr2:47,790,967, G deleted; the last of 2 consecutive G bases (chr2:47,790,966-47,790,967); deleting either gives the same sequence. VCF-style (leftmost placement, unchanged base first): chr2-47790965-TG-T. GRCh37 (hg19) VCF-style: chr2-48018104-TG-T.
Other names: c.-436del (NM_001281493.2, NM_001406811.1, NM_001406823.1 and 1 more transcripts); c.4del, p.Glu2fs (NM_001406805.1, NM_001406818.1, NM_001406819.1 and 10 more transcripts); c.-628del (NM_001406807.1); c.301del, p.Glu101fs (NM_001406808.1, NM_001406809.1, NM_001406813.1 and 6 more transcripts); c.-283del (NM_001406812.1); c.-694del (NM_001406814.1); c.133del, p.Glu45fs (NM_001406826.1); c.-68-4927del (NM_001406799.1, NM_001406806.1); and 6 more; short protein forms E133fs, E101fs, E45fs, E75fs, E2fs.
Identifiers: ClinVar variation 3296405 (VCV003296405.1).
Genomic context (GRCh38, chr2:47,790,965, plus strand): 5'-ATGTATTTCCTTTTGGCAACAGTTGTGACTTCTCACCAGGAGATTTGGTTTGGGCCAAGA[TG>T]GAGGGTTACCCCTGGTGGCCTTGTCTGGTTTACAACCACCCCTTTGATGGAACATTCATC-3'